The following is an entry in ClinVar:

ClinVar aggregate classification (germline): Uncertain significance. Review status: criteria provided, multiple submitters, no conflicts (2 of 4 stars). 2 submissions from 2 submitters: Uncertain significance (2). Last evaluated 2025-12-16.

Conditions:
Dystonia 12 (DYT12). Also called: DYT-ATP1A3; Rapid-Onset Dystonia-Parkinsonism (RDP). Identifiers: Orphanet 71517, MedGen C1868681, MONDO:0007496, OMIM 128235.

Submissions (2):

Labcorp Genetics (formerly Invitae), Labcorp
Classification: Uncertain significance for Dystonia 12. Last evaluated: 2025-12-16. Review status: criteria provided, single submitter. Criteria: Invitae Variant Classification Sherloc (09022015). Collection method: clinical testing. Allele origin: germline.
Comment: This sequence change falls in intron 13 of the ATP1A3 gene. It does not directly change the encoded amino acid sequence of the ATP1A3 protein. It affects a nucleotide within the consensus splice site. This variant is not present in population databases (gnomAD no frequency). This variant has not been reported in the literature in individuals affected with ATP1A3-related conditions. ClinVar contains an entry for this variant (Variation ID: 1686483). Variants that disrupt the consensus splice site are a relatively common cause of aberrant splicing (PMID: 17576681, 9536098). Algorithms developed to predict the effect of sequence changes on RNA splicing suggest that this variant is not likely to affect RNA splicing. In summary, the available evidence is currently insufficient to determine the role of this variant in disease. Therefore, it has been classified as a Variant of Uncertain Significance.

Mendelics
Classification: Uncertain significance. Last evaluated: 2022-05-04. Review status: criteria provided, single submitter. Criteria: Mendelics Assertion Criteria 2019. Collection method: clinical testing. Allele origin: germline.

Literature cited by the submitters: PubMed 17576681 (cited by Labcorp Genetics (formerly Invitae), Labcorp); PubMed 9536098 (cited by Labcorp Genetics (formerly Invitae), Labcorp).

NM_152296.5(ATP1A3):c.1806+3G>A

Gene: ATP1A3 (ATPase Na+/K+ transporting subunit alpha 3; minus strand). Cytogenetic location: 19q13.2.
Variant type: single nucleotide variant.
Coding change: c.1806+3G>A on transcript NM_152296.5 (MANE Select); 3 bases into the intron after coding-DNA position 1806, G replaced by A.
Molecular consequence: intron variant.
Genome position (GRCh38, 1-based): chr19:41,978,148, C>T on the plus strand (G>A on the coding strand, the complement: ATP1A3 is on the minus strand). VCF-style: chr19-41978148-C-T. GRCh37 (hg19) VCF-style: chr19-42482300-C-T.
Other names: c.1845+3G>A (NM_001256214.2); c.1839+3G>A (NM_001256213.2).
Identifiers: ClinVar variation 1686483 (VCV001686483.2), dbSNP rs2145964767, ClinGen allele CA2573156408.